The following is an entry in ClinVar:

ClinVar aggregate classification (germline): Uncertain significance (1 of 4 stars; one submission).

Submission:

Laboratory for Molecular Medicine, Mass General Brigham Personalized Medicine
Classification: Uncertain significance. Last evaluated: 2015-04-09. Review status: criteria provided, single submitter. Criteria: LMM Criteria. Collection method: clinical testing. Allele origin: germline. Observed: 1 variant allele.
Comment: Variant classified as Uncertain Significance - Favor Pathogenic. The p.Glu763fs variant in RBM20 has not been reported in individuals with cardiomyopathy and da ta from large population studies is insufficient to assess its frequency. This f rameshift variant is predicted to alter the protein?s amino acid sequence beginn ing at position 763 and lead to a premature termination codon 38 amino acids dow nstream. This alteration is then predicted to lead to a truncated or absent prot ein. The role of loss-of-function variants in the RBM20 gene is currently unclea r although data from animal models support that loss of function may lead to DCM (Guo 2012). In summary, while the available data suggest the p.Glu763fs variant may be disease-causing, additional information is required to fully assess the clinical significance of this variant.

Literature cited by the submitters: PubMed 22466703.

NM_001134363.3(RBM20):c.2286dup (p.Glu763fs)

Gene: RBM20 (RNA binding motif protein 20; plus strand). Cytogenetic location: 10q25.2.
Variant type: Duplication.
Coding change: c.2286dup on transcript NM_001134363.3 (MANE Select); coding-DNA position 2286, one base duplicated (A; older notation c.2286dupA).
Protein change: p.Glu763fs; shifts the reading frame from glutamic acid 763.
Genome position (GRCh38, 1-based): chr10:110,812,683, A duplicated; the last of 3 consecutive A bases (chr10:110,812,681-110,812,683); duplicating any one gives the same sequence. VCF-style (leftmost placement, unchanged base first): chr10-110812680-G-GA. GRCh37 (hg19) VCF-style: chr10-112572438-G-GA.
Other names: NM_001134363.1:c.2286dupA; p.Glu763ArgfsX38; short protein forms E763fs.
Identifiers: ClinVar variation 229192 (VCV000229192.5), dbSNP rs876657978, ClinGen allele CA10576771.